The following is an entry in ClinVar:

NM_001081550.2(THOC2):c.4328C>T (p.Thr1443Ile)

Gene: THOC2 (THO complex subunit 2; minus strand). Cytogenetic location: Xq25.
Variant type: single nucleotide variant.
Coding change: c.4328C>T on transcript NM_001081550.2 (MANE Select); coding-DNA position 4328, C replaced by T.
Protein change: p.Thr1443Ile; replaces threonine 1443 with isoleucine.
Molecular consequence: missense variant.
Genome position (GRCh38, 1-based): chrX:123,614,173, G>A on the plus strand (C>T on the coding strand, the complement: THOC2 is on the minus strand). VCF-style: chrX-123614173-G-A. GRCh37 (hg19) VCF-style: chrX-122748024-G-A.
Other names: short protein forms T1443I.
Identifiers: ClinVar variation 3239343 (VCV003239343.19), dbSNP rs2520760844.

ClinVar aggregate classification (germline): Uncertain significance (1 of 4 stars; one submission).

Allele frequency attached by ClinVar (database versions not stated): gnomAD exomes below 0.00001.
gnomAD v4.1: 3 of 1,191,687 alleles (0.00025%); highest among the groups gnomAD compares: Non-Finnish European, 0.00034%; no homozygotes.

Submission:

CeGaT Center for Human Genetics Tuebingen
Classification: Uncertain significance. Last evaluated: 2024-05-01. Review status: criteria provided, single submitter. Criteria: CeGaT Center For Human Genetics Tuebingen Variant Classification Criteria Version 2. Collection method: clinical testing. Allele origin: germline. Affected: yes. Observed: 1 variant allele.
Comment: THOC2: PM2